The following is an entry in ClinVar:

ClinVar aggregate classification (germline): Uncertain significance (1 of 4 stars; one submission).

Submission:

Ambry Genetics
Classification: Uncertain significance. Last evaluated: 2026-08-10. Review status: criteria provided, single submitter. Criteria: Ambry Variant Classification Scheme 2023. Collection method: clinical testing. Allele origin: germline.
Comment: The p.C253Y variant (also known as c.758G>A), located in coding exon 4 of the PALLD gene, results from a G to A substitution at nucleotide position 758. The cysteine at codon 253 is replaced by tyrosine, an amino acid with highly dissimilar properties. This amino acid position is conserved. In addition, this alteration is predicted to be tolerated by in silico analysis. Based on the available evidence, the clinical significance of this variant remains unclear.

NM_001166108.2(PALLD):c.2270G>A (p.Cys757Tyr)

Genes: CBR4 (carbonyl reductase 4; minus strand), PALLD (palladin, cytoskeletal associated protein; plus strand). Cytogenetic location: 4q32.3.
Variant type: single nucleotide variant.
Coding change: c.2270G>A on transcript NM_001166108.2 (MANE Select); coding-DNA position 2270, G replaced by A.
Protein change: p.Cys757Tyr; replaces cysteine 757 with tyrosine.
Molecular consequence: missense variant.
Genome position (GRCh38, 1-based): chr4:168,898,512, G>A. VCF-style: chr4-168898512-G-A. GRCh37 (hg19) VCF-style: chr4-169819663-G-A.
Other names: c.1073G>A, p.Cys358Tyr (NM_001166109.2); c.758G>A, p.Cys253Tyr (NM_001166110.2); c.98G>A, p.Cys33Tyr (NM_001367567.1, NM_001367569.1); c.149G>A, p.Cys50Tyr (NM_001367568.1, NM_001367570.1); c.2219G>A, p.Cys740Tyr (NM_016081.4); short protein forms C253Y, C33Y, C358Y, C740Y, C757Y, C50Y.
Identifiers: ClinVar variation 5026237 (VCV005026237.1).